The following is an entry in ClinVar:

NM_000036.3(AMPD1):c.1118A>G (p.Asp373Gly)

Gene: AMPD1 (adenosine monophosphate deaminase 1; minus strand). Cytogenetic location: 1p13.2.
Variant type: single nucleotide variant.
Coding change: c.1118A>G on transcript NM_000036.3 (MANE Select); coding-DNA position 1118, A replaced by G.
Protein change: p.Asp373Gly; replaces aspartic acid 373 with glycine.
Molecular consequence: missense variant.
Genome position (GRCh38, 1-based): chr1:114,678,016, T>C on the plus strand (A>G on the coding strand, the complement: AMPD1 is on the minus strand). VCF-style: chr1-114678016-T-C. GRCh37 (hg19) VCF-style: chr1-115220637-T-C.
Other names: c.1106A>G, p.Asp369Gly (NM_001172626.2); short protein forms D369G, D373G.
Identifiers: ClinVar variation 2141047 (VCV002141047.4), dbSNP rs1361033823, ClinGen allele CA341749180.

ClinVar aggregate classification (germline): Uncertain significance (1 of 4 stars; one submission).

Conditions:
Muscle AMP deaminase deficiency (MMDD). Also called: Myoadenylate deaminase deficiency, myopathy due to; ADENOSINE MONOPHOSPHATE DEAMINASE-1 DEFICIENCY, MYOPATHY DUE TO; AMPD1 DEFICIENCY; Adenosine monophosphate deaminase 1 deficiency; AMP deaminase 1 deficiency; Adenosine Monophosphate Deaminase 1. Identifiers: Orphanet 45, MedGen C3714933, MONDO:0014220, OMIM 615511.

Allele frequency attached by ClinVar (database versions not stated): gnomAD exomes below 0.00001; TOPMed below 0.00001.
gnomAD v4.1: 1 of 1,614,014 alleles (0.000062%); highest among the groups gnomAD compares: Non-Finnish European, 0.000085%; no homozygotes.

Submission:

Labcorp Genetics (formerly Invitae), Labcorp
Classification: Uncertain significance for Muscle AMP deaminase deficiency. Last evaluated: 2024-12-02. Review status: criteria provided, single submitter. Criteria: Invitae Variant Classification Sherloc (09022015). Collection method: clinical testing. Allele origin: germline.
Comment: This sequence change replaces aspartic acid, which is acidic and polar, with glycine, which is neutral and non-polar, at codon 406 of the AMPD1 protein (p.Asp406Gly). This variant is not present in population databases (gnomAD no frequency). This variant has not been reported in the literature in individuals affected with AMPD1-related conditions. ClinVar contains an entry for this variant (Variation ID: 2141047). Invitae Evidence Modeling of protein sequence and biophysical properties (such as structural, functional, and spatial information, amino acid conservation, physicochemical variation, residue mobility, and thermodynamic stability) indicates that this missense variant is expected to disrupt AMPD1 protein function with a positive predictive value of 80%. Algorithms developed to predict the effect of sequence changes on RNA splicing suggest that this variant may create or strengthen a splice site. In summary, the available evidence is currently insufficient to determine the role of this variant in disease. Therefore, it has been classified as a Variant of Uncertain Significance.